The following is an entry in ClinVar:

NM_017780.4(CHD7):c.2090del (p.Lys697fs)

Genes: CHD7 (chromodomain helicase DNA binding protein 7; plus strand), LOC126860403 (CDK7 strongly-dependent group 2 enhancer GRCh37_chr8:61693034-61694233; plus strand). Cytogenetic location: 8q12.2.
Variant type: Deletion.
Coding change: c.2090del on transcript NM_017780.4 (MANE Select); coding-DNA position 2090, one base deleted (A; older notation c.2090delA).
Protein change: p.Lys697fs; shifts the reading frame from lysine 697.
Molecular consequence: frameshift variant. On other transcripts: intron variant (1).
Genome position (GRCh38, 1-based): chr8:60,781,424, A deleted; the last of 5 consecutive A bases (chr8:60,781,420-60,781,424); deleting any one gives the same sequence. VCF-style (leftmost placement, unchanged base first): chr8-60781419-CA-C. GRCh37 (hg19) VCF-style: chr8-61693978-CA-C.
Other names: c.1716+374del (NM_001316690.1); short protein forms K697fs.
Identifiers: ClinVar variation 576625 (VCV000576625.7), dbSNP rs1563595385, ClinGen allele CA891843168.

ClinVar aggregate classification (germline): Pathogenic (1 of 4 stars; one submission).

Conditions:
CHARGE syndrome (CHARGE). Also called: Hittner Hirsch Kreh syndrome; Coloboma, heart anomaly, choanal atresia, retardation, genital and ear anomalies; CHARGE association; Hall-Hittner syndrome; CHARGE ASSOCIATION--COLOBOMA, HEART ANOMALY, CHOANAL ATRESIA, RETARDATION, GENITAL AND EAR ANOMALIES. Identifiers: Orphanet 138, MedGen C0265354, MONDO:0008965.

Submission:

Labcorp Genetics (formerly Invitae), Labcorp
Classification: Pathogenic for CHARGE syndrome. Last evaluated: 2018-05-03. Review status: criteria provided, single submitter. Criteria: Invitae Variant Classification Sherloc (09022015). Collection method: clinical testing. Allele origin: germline.
Comment: This variant has not been reported in the literature in individuals with CHD7-related disease. This variant is not present in population databases (ExAC no frequency). This sequence change creates a premature translational stop signal (p.Lys697Serfs*14) in the CHD7 gene. It is expected to result in an absent or disrupted protein product. Loss-of-function variants in CHD7 are known to be pathogenic (PMID: 22461308, 25077900). For these reasons, this variant has been classified as Pathogenic.

Literature cited by the submitters: PubMed 22461308; PubMed 25077900.